The following is an entry in ClinVar:

ClinVar aggregate classification (germline): Uncertain significance. Review status: criteria provided, multiple submitters, no conflicts (2 of 4 stars). 2 submissions from 2 submitters: Uncertain significance (2). Last evaluated 2025-11-11.

Conditions:
TRRAP-related disorder. Also called: TRRAP-related condition.

Allele frequency attached by ClinVar (database versions not stated): ExAC 0.00001.
gnomAD v4.1: 57 of 1,613,684 alleles (0.0035%); highest among the groups gnomAD compares: Non-Finnish European, 0.0045%; no homozygotes.

Submissions (2):

PreventionGenetics, part of Exact Sciences
Classification: Uncertain significance for TRRAP-related condition. Last evaluated: 2025-11-11. Review status: criteria provided, single submitter. Criteria: ACMG Guidelines, 2015. Collection method: clinical testing. Allele origin: germline.
Comment: The TRRAP c.4162G>A variant is predicted to result in the amino acid substitution p.Ala1388Thr. To our knowledge, this variant has not been reported in the literature. This variant is reported in 0.0054% of alleles in individuals of East Asian descent in gnomAD. At this time, the clinical significance of this variant is uncertain due to the absence of conclusive functional and genetic evidence.

Labcorp Genetics (formerly Invitae), Labcorp
Classification: Uncertain significance. Last evaluated: 2024-12-09. Review status: criteria provided, single submitter. Criteria: Invitae Variant Classification Sherloc (09022015). Collection method: clinical testing. Allele origin: germline.
Comment: This sequence change replaces alanine, which is neutral and non-polar, with threonine, which is neutral and polar, at codon 1388 of the TRRAP protein (p.Ala1388Thr). This variant is present in population databases (rs781992198, gnomAD 0.006%). This variant has not been reported in the literature in individuals affected with TRRAP-related conditions. ClinVar contains an entry for this variant (Variation ID: 1919671). Invitae Evidence Modeling of protein sequence and biophysical properties (such as structural, functional, and spatial information, amino acid conservation, physicochemical variation, residue mobility, and thermodynamic stability) indicates that this missense variant is not expected to disrupt TRRAP protein function with a negative predictive value of 80%. In summary, the available evidence is currently insufficient to determine the role of this variant in disease. Therefore, it has been classified as a Variant of Uncertain Significance.

NM_001375524.1(TRRAP):c.4162G>A (p.Ala1388Thr)

Gene: TRRAP (transformation/transcription domain associated protein; plus strand). Cytogenetic location: 7q22.1.
Variant type: single nucleotide variant.
Coding change: c.4162G>A on transcript NM_001375524.1 (MANE Select); coding-DNA position 4162, G replaced by A.
Protein change: p.Ala1388Thr; replaces alanine 1388 with threonine.
Molecular consequence: missense variant.
Genome position (GRCh38, 1-based): chr7:98,937,206, G>A. VCF-style: chr7-98937206-G-A. GRCh37 (hg19) VCF-style: chr7-98534829-G-A.
Other names: c.4162G>A, p.Ala1388Thr (NM_001244580.2, NM_003496.4); c.4162G>A (NM_003496.3); short protein forms A1388T.
Identifiers: ClinVar variation 1919671 (VCV001919671.6), dbSNP rs781992198, ClinGen allele CA4360176.